The following is an entry in ClinVar:

ClinVar aggregate classification (germline): Uncertain significance (1 of 4 stars; one submission).

Conditions:
Cardiovascular phenotype. Identifiers: MedGen CN230736.

gnomAD v4.1: 2 of 1,614,126 alleles (0.00012%); highest among the groups gnomAD compares: Non-Finnish European, 0.00017%; no homozygotes.

Submission:

Molecular Diagnostic Laboratory for Inherited Cardiovascular Disease, Montreal Heart Institute
Classification: Uncertain significance for Cardiovascular phenotype. Last evaluated: 2026-09-21. Review status: criteria provided, single submitter. Criteria: ACMG Guidelines, 2015. Collection method: clinical testing. Allele origin: germline. Affected: yes.
Comment: PM2, PP3

NM_001079802.2(FKTN):c.1238G>T (p.Cys413Phe)

Gene: FKTN (fukutin; plus strand). Cytogenetic location: 9q31.2.
Variant type: single nucleotide variant.
Coding change: c.1238G>T on transcript NM_001079802.2 (MANE Select); coding-DNA position 1238, G replaced by T.
Protein change: p.Cys413Phe; replaces cysteine 413 with phenylalanine.
Molecular consequence: missense variant. On other transcripts: 3 prime UTR variant (1), non-coding transcript variant (2).
Genome position (GRCh38, 1-based): chr9:105,635,116, G>T. VCF-style: chr9-105635116-G-T. GRCh37 (hg19) VCF-style: chr9-108397397-G-T.
Other names: c.1238G>T, p.Cys413Phe (NM_001198963.2, NM_001351496.2, NM_006731.2); c.1169G>T, p.Cys390Phe (NM_001351497.2); c.*30G>T (NM_001351498.2); c.842G>T, p.Cys281Phe (NM_001351499.2, NM_001351500.2, NM_001351501.2 and 1 more transcripts); short protein forms C281F, C390F, C413F.
Identifiers: ClinVar variation 5037798 (VCV005037798.1).